The following is an entry in ClinVar:

NM_001292034.3(TAB2):c.403C>T (p.Gln135Ter)

Gene: TAB2 (TGF-beta activated kinase 1 (MAP3K7) binding protein 2; plus strand). Cytogenetic location: 6q25.1.
Variant type: single nucleotide variant.
Coding change: c.403C>T on transcript NM_001292034.3 (MANE Select); coding-DNA position 403, C replaced by T.
Protein change: p.Gln135Ter; replaces glutamine 135 with a stop codon.
Molecular consequence: nonsense.
Genome position (GRCh38, 1-based): chr6:149,378,318, C>T. VCF-style: chr6-149378318-C-T. GRCh37 (hg19) VCF-style: chr6-149699454-C-T.
Other names: c.307C>T, p.Gln103Ter (NM_001292035.3); c.403C>T, p.Gln135Ter (NM_001369506.1, NM_015093.6); short protein forms Q135*, Q103*.
Identifiers: ClinVar variation 372702 (VCV000372702.2), dbSNP rs1057517934, ClinGen allele CA16042635.
Genomic context (GRCh38, chr6:149,378,318, plus strand): 5'-GGCCAGTCCAATAGTGAACTATTTCAGCAGGAGCCACAGACAGCACCAGCTCAAGTTCCT[C>T]AAGGCTTTAATGTTTTTGGAATGTCCAGTTCCTCTGGTGCTTCAAATTCAGCACCACATC-3'

ClinVar aggregate classification (germline): Likely pathogenic (1 of 4 stars; one submission).

Submission:

GeneDx
Classification: Likely pathogenic. Last evaluated: 2017-05-02. Review status: criteria provided, single submitter. Criteria: GeneDx Variant Classification (06012015). Collection method: clinical testing. Allele origin: germline. Affected: yes.
Comment: The Q135X variant in the TAB2 gene has not been reported previously as a pathogenic variant nor as a benign variant, to our knowledge. This variant is predicted to cause loss of normal protein function either through protein truncation or nonsense-mediated mRNA decay. The Q135X variant was not observed in approximately 6500 individuals of European and African American ancestry in the NHLBI Exome Sequencing Project, indicating it is not a common benign variant in these populations. We interpret Q135X variant is a strong candidate for a pathogenic variant, however the possibility it may be a rare benign variant cannot be excluded.